The following is an entry in ClinVar:

ClinVar aggregate classification (germline): Uncertain significance (1 of 4 stars; one submission).

Allele frequency attached by ClinVar (database versions not stated): TOPMed below 0.00001.
gnomAD v4.1: 4 of 1,404,108 alleles (0.00028%); highest among the groups gnomAD compares: Non-Finnish European, 0.00037%; no homozygotes.

Submission:

Labcorp Genetics (formerly Invitae), Labcorp
Classification: Uncertain significance. Last evaluated: 2022-04-25. Review status: criteria provided, single submitter. Criteria: Invitae Variant Classification Sherloc (09022015). Collection method: clinical testing. Allele origin: germline.
Comment: This sequence change replaces serine, which is neutral and polar, with alanine, which is neutral and non-polar, at codon 3 of the SZT2 protein (p.Ser3Ala). This variant is not present in population databases (gnomAD no frequency). This variant has not been reported in the literature in individuals affected with SZT2-related conditions. Algorithms developed to predict the effect of missense changes on protein structure and function (SIFT, PolyPhen-2, Align-GVGD) all suggest that this variant is likely to be tolerated. In summary, the available evidence is currently insufficient to determine the role of this variant in disease. Therefore, it has been classified as a Variant of Uncertain Significance.

NM_001365999.1(SZT2):c.7T>G (p.Ser3Ala)

Genes: SZT2 (SZT2 subunit of KICSTOR complex; plus strand), LOC129930379 (ATAC-STARR-seq lymphoblastoid silent region 783; plus strand). Cytogenetic location: 1p34.2.
Variant type: single nucleotide variant.
Coding change: c.7T>G on transcript NM_001365999.1 (MANE Select); coding-DNA position 7, T replaced by G.
Protein change: p.Ser3Ala; replaces serine 3 with alanine.
Molecular consequence: missense variant.
Genome position (GRCh38, 1-based): chr1:43,389,975, T>G. VCF-style: chr1-43389975-T-G. GRCh37 (hg19) VCF-style: chr1-43855646-T-G.
Other names: c.7T>G, p.Ser3Ala (NM_015284.4); short protein forms S3A.
Identifiers: ClinVar variation 2148875 (VCV002148875.1), dbSNP rs1484505234, ClinGen allele CA339990019.